The following is an entry in ClinVar:

NM_021975.4(RELA):c.729T>C (p.Asp243=)

Gene: RELA (RELA proto-oncogene, NF-kB subunit; minus strand). Cytogenetic location: 11q13.1.
Variant type: single nucleotide variant.
Coding change: c.729T>C on transcript NM_021975.4 (MANE Select); coding-DNA position 729, T replaced by C.
Protein change: p.Asp243=; no amino-acid change (aspartic acid 243 retained).
Molecular consequence: synonymous variant.
Genome position (GRCh38, 1-based): chr11:65,658,435, A>G on the plus strand (T>C on the coding strand, the complement: RELA is on the minus strand). VCF-style: chr11-65658435-A-G. GRCh37 (hg19) VCF-style: chr11-65425906-A-G.
Other names: c.720T>C, p.Asp240= (NM_001145138.2); c.729T>C, p.Asp243= (NM_001243984.2, NM_001243985.2); c.729T>C (NM_021975.3).
Identifiers: ClinVar variation 1589534 (VCV001589534.10), dbSNP rs767449165, ClinGen allele CA6106808.

ClinVar aggregate classification (germline): Likely benign. Review status: criteria provided, single submitter (1 of 4 stars). 2 submissions from 2 submitters: Likely benign (1). 1 of the submissions does not count toward it. Last evaluated 2025-07-29.

Conditions:
RELA-related disorder. Also called: RELA-related condition.

Allele frequency attached by ClinVar (database versions not stated): ExAC 0.00001; gnomAD 0.00001 and 0.00002; gnomAD exomes 0.00001; TOPMed 0.00003.
gnomAD v4.1: 22 of 1,613,396 alleles (0.0014%); highest among the groups gnomAD compares: Non-Finnish European, 0.0018%; no homozygotes.

Submissions (2):

Labcorp Genetics (formerly Invitae), Labcorp
Classification: Likely benign. Last evaluated: 2025-07-29. Review status: criteria provided, single submitter. Criteria: Invitae Variant Classification Sherloc (09022015). Collection method: clinical testing. Allele origin: germline.

PreventionGenetics, part of Exact Sciences
Classification: Likely benign for RELA-related condition. Last evaluated: 2023-09-08. Review status: no assertion criteria provided. Collection method: clinical testing. Allele origin: germline. Not counted in ClinVar's aggregate classification.
Comment: This variant is classified as likely benign based on ACMG/AMP sequence variant interpretation guidelines (Richards et al. 2015 PMID: 25741868, with internal and published modifications).